The following is an entry in ClinVar:

ClinVar aggregate classification (germline): Uncertain significance (1 of 4 stars; one submission).

Submission:

Ambry Genetics
Classification: Uncertain significance. Last evaluated: 2025-10-22. Review status: criteria provided, single submitter. Criteria: Ambry Variant Classification Scheme 2023. Collection method: clinical testing. Allele origin: germline.
Comment: The p.L406R variant (also known as c.1217T>G), located in coding exon 9 of the RINT1 gene, results from a T to G substitution at nucleotide position 1217. The leucine at codon 406 is replaced by arginine, an amino acid with dissimilar properties. This amino acid position is conserved. In addition, this alteration is predicted to be deleterious by in silico analysis. Based on the available evidence, the clinical significance of this variant remains unclear.

NM_021930.6(RINT1):c.1217T>G (p.Leu406Arg)

Gene: RINT1 (RAD50 interactor 1; plus strand). Cytogenetic location: 7q22.3.
Variant type: single nucleotide variant.
Coding change: c.1217T>G on transcript NM_021930.6 (MANE Select); coding-DNA position 1217, T replaced by G.
Protein change: p.Leu406Arg; replaces leucine 406 with arginine.
Molecular consequence: missense variant. On other transcripts: non-coding transcript variant (1).
Genome position (GRCh38, 1-based): chr7:105,550,370, T>G. VCF-style: chr7-105550370-T-G. GRCh37 (hg19) VCF-style: chr7-105190817-T-G.
Other names: c.983T>G, p.Leu328Arg (NM_001346599.2); c.194T>G, p.Leu65Arg (NM_001346600.2, NM_001346603.2); c.293T>G, p.Leu98Arg (NM_001346601.2); short protein forms L328R, L65R, L98R, L406R.
Identifiers: ClinVar variation 4578219 (VCV004578219.1).
Genomic context (GRCh38, chr7:105,550,370, plus strand): 5'-CTGATATTCCTTGTCTGCTATATGATGACAATCTCTTCTGTCATTTGGTGGATGAAGTAC[T>G]CTTGTTTGAAAGGGAGCTACACAGTGTTCATGGCTATCCTGGCACTTTTGCTAGTTGTAT-3'
Protein context (NP_068749.3, residues 396-416): NLFCHLVDEV[Leu406Arg]LFERELHSVH